The following is an entry in ClinVar:

NM_198834.3(ACACA):c.6313G>T (p.Val2105Leu)

Gene: ACACA (acetyl-CoA carboxylase alpha; minus strand). Cytogenetic location: 17q12.
Variant type: single nucleotide variant.
Coding change: c.6313G>T on transcript NM_198834.3 (MANE Select); coding-DNA position 6313, G replaced by T.
Protein change: p.Val2105Leu; replaces valine 2105 with leucine.
Molecular consequence: missense variant.
Genome position (GRCh38, 1-based): chr17:37,113,227, C>A on the plus strand (G>T on the coding strand, the complement: ACACA is on the minus strand). VCF-style: chr17-37113227-C-A. GRCh37 (hg19) VCF-style: chr17-35470162-C-A.
Other names: c.6202G>T, p.Val2068Leu (NM_198836.3, NM_198839.3); c.6028G>T, p.Val2010Leu (NM_198837.2); c.5968G>T, p.Val1990Leu (NM_198838.2); short protein forms V1990L, V2010L, V2068L, V2105L.
Identifiers: ClinVar variation 3611872 (VCV003611872.2).
Genomic context (GRCh38, chr17:37,113,227, plus strand): 5'-GCTCAGCCTGGGGAGGAATGTAAACCAGCACAGGCTGGCAGCACTCCCTCAAGCCATCCA[C>A]AATGTAAGCACCAAACTTCAGCACTTGGTCGTACATATCTATGGAGAATGAGACAAATTA-3'
Protein context (NP_942131.1, residues 2095-2115): DQVLKFGAYI[Val2105Leu]DGLRECCQPV

ClinVar aggregate classification (germline): Uncertain significance (1 of 4 stars; one submission).

gnomAD v4.1: 11 of 1,614,098 alleles (0.00068%); highest among the groups gnomAD compares: Non-Finnish European, 0.00093%; no homozygotes.

Submission:

Labcorp Genetics (formerly Invitae), Labcorp
Classification: Uncertain significance. Last evaluated: 2024-08-12. Review status: criteria provided, single submitter. Criteria: Invitae Variant Classification Sherloc (09022015). Collection method: clinical testing. Allele origin: germline.
Comment: This sequence change replaces valine, which is neutral and non-polar, with leucine, which is neutral and non-polar, at codon 2068 of the ACACA protein (p.Val2068Leu). This variant is not present in population databases (gnomAD no frequency). This variant has not been reported in the literature in individuals affected with ACACA-related conditions. An algorithm developed to predict the effect of missense changes on protein structure and function (PolyPhen-2) suggests that this variant is likely to be disruptive. In summary, the available evidence is currently insufficient to determine the role of this variant in disease. Therefore, it has been classified as a Variant of Uncertain Significance.